The following is an entry in ClinVar:

ClinVar aggregate classification (germline): Uncertain significance (1 of 4 stars; one submission).

Conditions:
Familial thoracic aortic aneurysm and aortic dissection (TAAD). Also called: Thoracic aortic aneurysms and dissections. Identifiers: Orphanet 91387, MedGen C4707243, MONDO:0019625.

Submission:

Color Diagnostics, LLC DBA Color Health
Classification: Uncertain significance for Familial thoracic aortic aneurysm and aortic dissection. Last evaluated: 2023-09-05. Review status: criteria provided, single submitter. Criteria: ACMG Guidelines, 2015. Collection method: clinical testing. Allele origin: germline.
Comment: This variant changes one nucleotide in exon 36 of the MYH11 gene, creating a premature translation stop signal. This variant is expected to result in an absent or non-functional protein product. To our knowledge, this variant has not been reported in individuals affected with MYH11-related disorders in the literature. This variant has not been identified in the general population by the Genome Aggregation Database (gnomAD). Clinical relevance of loss-of-function MYH11 truncation variants in autosomal dominant cardiovascular disorders is not clearly established. The available evidence is insufficient to determine the role of this variant in disease conclusively. Therefore, this variant is classified as a Variant of Uncertain Significance.

NM_002474.3(MYH11):c.5002A>T (p.Arg1668Ter)

Genes: NDE1 (nudE neurodevelopment protein 1; plus strand), MYH11 (myosin heavy chain 11; minus strand). Cytogenetic location: 16p13.11.
Variant type: single nucleotide variant.
Coding change: c.5002A>T on transcript NM_002474.3 (MANE Select); coding-DNA position 5002, A replaced by T.
Protein change: p.Arg1668Ter; replaces arginine 1668 with a stop codon.
Molecular consequence: nonsense. On other transcripts: intron variant (2).
Genome position (GRCh38, 1-based): chr16:15,719,665, T>A on the plus strand (A>T on the coding strand, the complement: MYH11 is on the minus strand). VCF-style: chr16-15719665-T-A. GRCh37 (hg19) VCF-style: chr16-15813522-T-A.
Other names: c.5023A>T, p.Arg1675Ter (NM_001040113.2, NM_001040114.2); c.5002A>T, p.Arg1668Ter (NM_022844.3); c.948-4526T>A (NM_001143979.2, NM_017668.3); short protein forms R1668*, R1675*.
Identifiers: ClinVar variation 2773800 (VCV002773800.2), dbSNP rs2506108454, ClinGen allele CA394851714.